The following is an entry in ClinVar:

ClinVar aggregate classification (germline): Likely benign. Review status: criteria provided, multiple submitters, no conflicts (2 of 4 stars). 4 submissions from 4 submitters: Likely benign (4). Last evaluated 2025-09-08.

Conditions:
Hereditary cancer-predisposing syndrome. Also called: Tumor predisposition; Neoplastic Syndromes, Hereditary; Hereditary Cancer Syndrome; Hereditary neoplastic syndrome. Identifiers: Orphanet 140162, MedGen C0027672, MeSH D009386, MONDO:0015356.
Hereditary diffuse gastric adenocarcinoma (HDGC). Also called: DIFFUSE GASTRIC AND LOBULAR BREAST CANCER SYNDROME. Identifiers: Orphanet 26106, MedGen C1708349, MONDO:0007648, OMIM 137215.

Allele frequency attached by ClinVar (database versions not stated): gnomAD 0.00001.
gnomAD v4.1: 1 of 1,613,446 alleles (0.000062%); highest among the groups gnomAD compares: African/African-American, 0.0013%; no homozygotes.

Submissions (4):

Labcorp Genetics (formerly Invitae), Labcorp
Classification: Likely benign for Hereditary diffuse gastric adenocarcinoma. Last evaluated: 2025-09-08. Review status: criteria provided, single submitter. Criteria: Invitae Variant Classification Sherloc (09022015). Collection method: clinical testing. Allele origin: germline.

Myriad Genetics, Inc.
Classification: Likely benign for Hereditary diffuse gastric adenocarcinoma. Last evaluated: 2024-09-20. Review status: criteria provided, single submitter. Criteria: Myriad Autosomal Dominant, Autosomal Recessive and X-Linked Classification Criteria (2023). Collection method: clinical testing. Allele origin: unknown.
Comment: This variant is considered likely benign. This variant is intronic and is not expected to impact mRNA splicing.

ARUP Laboratories, Molecular Genetics and Genomics, ARUP Laboratories
Classification: Likely benign. Last evaluated: 2022-01-21. Review status: criteria provided, single submitter. Criteria: ARUP Molecular Germline Variant Investigation Process 2021. Collection method: clinical testing. Allele origin: germline.

Color Diagnostics, LLC DBA Color Health
Classification: Likely benign for Hereditary cancer-predisposing syndrome. Last evaluated: 2017-04-10. Review status: criteria provided, single submitter. Criteria: ACMG Guidelines, 2015. Collection method: clinical testing. Allele origin: germline.

NM_004360.5(CDH1):c.2165-20T>C

Gene: CDH1 (cadherin 1; plus strand). Cytogenetic location: 16q22.1.
Variant type: single nucleotide variant.
Coding change: c.2165-20T>C on transcript NM_004360.5 (MANE Select); 20 bases into the intron before coding-DNA position 2165, T replaced by C.
Molecular consequence: intron variant.
Genome position (GRCh38, 1-based): chr16:68,828,154, T>C. VCF-style: chr16-68828154-T-C. GRCh37 (hg19) VCF-style: chr16-68862057-T-C.
Other names: c.617-20T>C (NM_001317185.2); c.200-20T>C (NM_001317186.2); c.1982-20T>C (NM_001317184.2).
Identifiers: ClinVar variation 491522 (VCV000491522.15), dbSNP rs1555517631, ClinGen allele CA658683964.
Genomic context (GRCh38, chr16:68,828,154, plus strand): 5'-GGTGCTCTGTGATAGCTGCTGCTTCTGGCCTTCTTTATCTTTGGCTCTCAACACTTGCTC[T>C]GTCTCCCCCACCATCCCAGTTCTGATTCTGCTGCTCTTGCTGTTTCTTCGGAGGAGAGCG-3'